The following is an entry in ClinVar:

NM_006648.4(WNK2):c.2783C>A (p.Pro928His)

Gene: WNK2 (WNK lysine deficient protein kinase 2; plus strand). Cytogenetic location: 9q22.31.
Variant type: single nucleotide variant.
Coding change: c.2783C>A on transcript NM_006648.4 (MANE Select); coding-DNA position 2783, C replaced by A.
Protein change: p.Pro928His; replaces proline 928 with histidine.
Molecular consequence: missense variant.
Genome position (GRCh38, 1-based): chr9:93,259,331, C>A. VCF-style: chr9-93259331-C-A. GRCh37 (hg19) VCF-style: chr9-96021613-C-A.
Other names: c.2783C>A, p.Pro928His (NM_001282394.3); short protein forms P928H.
Identifiers: ClinVar variation 4866555 (VCV004866555.1).

ClinVar aggregate classification (germline): Uncertain significance (1 of 4 stars; one submission).

gnomAD v4.1: 2 of 1,613,476 alleles (0.00012%); highest among the groups gnomAD compares: African/African-American, 0.0013%; no homozygotes.

Submission:

Ambry Genetics
Classification: Uncertain significance. Last evaluated: 2026-03-31. Review status: criteria provided, single submitter. Criteria: Ambry Variant Classification Scheme 2023. Collection method: clinical testing. Allele origin: germline.
Comment: The p.P928H variant (also known as c.2783C>A), located in coding exon 11 of the WNK2 gene, results from a C to A substitution at nucleotide position 2783. The proline at codon 928 is replaced by histidine, an amino acid with similar properties. This amino acid position is conserved. In addition, the in silico prediction for this alteration is inconclusive. Based on the available evidence, the clinical significance of this variant remains unclear.